The following is an entry in ClinVar:

NM_139125.4(MASP1):c.1358G>T (p.Gly453Val)

Gene: MASP1 (MBL associated serine protease 1; minus strand). Cytogenetic location: 3q27.3.
Variant type: single nucleotide variant.
Coding change: c.1358G>T on transcript NM_139125.4 (MANE Select); coding-DNA position 1358, G replaced by T.
Protein change: p.Gly453Val; replaces glycine 453 with valine.
Molecular consequence: missense variant. On other transcripts: non-coding transcript variant (1), intron variant (1).
Genome position (GRCh38, 1-based): chr3:187,236,513, C>A on the plus strand (G>T on the coding strand, the complement: MASP1 is on the minus strand). VCF-style: chr3-187236513-C-A. GRCh37 (hg19) VCF-style: chr3-186954301-C-A.
Other names: c.1303+4968G>T (NM_001879.6); short protein forms G453V.
Identifiers: ClinVar variation 2662103 (VCV002662103.1), dbSNP rs777260336, ClinGen allele CA355735939.

ClinVar aggregate classification (germline): Uncertain significance (1 of 4 stars; one submission).

Submission:

GeneDx
Classification: Uncertain significance. Last evaluated: 2023-04-03. Review status: criteria provided, single submitter. Criteria: GeneDx Variant Classification Process June 2021. Collection method: clinical testing. Allele origin: germline. Affected: yes.
Comment: Not observed at significant frequency in large population cohorts (gnomAD); In silico analysis supports that this missense variant has a deleterious effect on protein structure/function; Has not been previously published as pathogenic or benign to our knowledge